The following is an entry in ClinVar:

ClinVar aggregate classification (germline): Uncertain significance. Review status: criteria provided, multiple submitters, no conflicts (2 of 4 stars). 3 submissions from 3 submitters: Uncertain significance (3). Last evaluated 2025-12-09.

Conditions:
Inborn genetic diseases. Identifiers: MedGen C0950123, MeSH D030342.

Submissions (3):

Labcorp Genetics (formerly Invitae), Labcorp
Classification: Uncertain significance. Last evaluated: 2025-12-09. Review status: criteria provided, single submitter. Criteria: Invitae Variant Classification Sherloc (09022015). Collection method: clinical testing. Allele origin: germline.
Comment: This sequence change replaces leucine, which is neutral and non-polar, with proline, which is neutral and non-polar, at codon 375 of the POLR3A protein (p.Leu375Pro). This variant is not present in population databases (gnomAD no frequency). This variant has not been reported in the literature in individuals affected with POLR3A-related conditions. ClinVar contains an entry for this variant (Variation ID: 2337649). Invitae Evidence Modeling of protein sequence and biophysical properties (such as structural, functional, and spatial information, amino acid conservation, physicochemical variation, residue mobility, and thermodynamic stability) indicates that this missense variant is expected to disrupt POLR3A protein function with a positive predictive value of 80%. In summary, the available evidence is currently insufficient to determine the role of this variant in disease. Therefore, it has been classified as a Variant of Uncertain Significance.

Mayo Clinic Laboratories, Mayo Clinic
Classification: Uncertain significance. Last evaluated: 2023-10-10. Review status: criteria provided, single submitter. Criteria: ACMG Guidelines, 2015. Collection method: clinical testing. Allele origin: germline. Observed: 1 variant allele.
Comment: PP3, PM2_moderate

Ambry Genetics
Classification: Uncertain significance for Inborn genetic diseases. Last evaluated: 2022-12-20. Review status: criteria provided, single submitter. Criteria: Ambry Variant Classification Scheme 2023. Collection method: clinical testing. Allele origin: germline.

NM_007055.4(POLR3A):c.1124T>C (p.Leu375Pro)

Gene: POLR3A (RNA polymerase III subunit A; minus strand). Cytogenetic location: 10q22.3.
Variant type: single nucleotide variant.
Coding change: c.1124T>C on transcript NM_007055.4 (MANE Select); coding-DNA position 1124, T replaced by C.
Protein change: p.Leu375Pro; replaces leucine 375 with proline.
Molecular consequence: missense variant.
Genome position (GRCh38, 1-based): chr10:78,021,607, A>G on the plus strand (T>C on the coding strand, the complement: POLR3A is on the minus strand). VCF-style: chr10-78021607-A-G. GRCh37 (hg19) VCF-style: chr10-79781365-A-G.
Other names: p.Leu375Pro; short protein forms L375P.
Identifiers: ClinVar variation 2337649 (VCV002337649.4), dbSNP rs2493237366, ClinGen allele CA377344059.